The following is an entry in ClinVar:

ClinVar aggregate classification (germline): Uncertain significance (1 of 4 stars; one submission).

Allele frequency attached by ClinVar (database versions not stated): gnomAD exomes below 0.00001.
gnomAD v4.1: 1 of 1,599,236 alleles (0.000063%); highest among the groups gnomAD compares: Non-Finnish European, 0.000086%; no homozygotes.

Submission:

GeneDx
Classification: Uncertain significance. Last evaluated: 2022-06-16. Review status: criteria provided, single submitter. Criteria: GeneDx Variant Classification Process June 2021. Collection method: clinical testing. Allele origin: germline. Affected: yes.
Comment: Has not been previously published as pathogenic or benign to our knowledge; In silico analysis suggests this variant may impact gene splicing. In the absence of RNA/functional studies, the actual effect of this sequence change is unknown.; Not observed at significant frequency in large population cohorts (gnomAD)

NM_000088.4(COL1A1):c.3045G>A (p.Glu1015=)

Gene: COL1A1 (collagen type I alpha 1 chain; minus strand). Cytogenetic location: 17q21.33.
Variant type: single nucleotide variant.
Coding change: c.3045G>A on transcript NM_000088.4 (MANE Select); coding-DNA position 3045, G replaced by A.
Protein change: p.Glu1015=; no amino-acid change (glutamic acid 1015 retained).
Molecular consequence: synonymous variant.
Genome position (GRCh38, 1-based): chr17:50,188,903, C>T on the plus strand (G>A on the coding strand, the complement: COL1A1 is on the minus strand). VCF-style: chr17-50188903-C-T. GRCh37 (hg19) VCF-style: chr17-48266264-C-T.
Identifiers: ClinVar variation 1804567 (VCV001804567.1), dbSNP rs2509179619, ClinGen allele CA500844638.